The following is an entry in ClinVar:

NM_006593.4(TBR1):c.1812C>G (p.Ala604=)

Gene: TBR1 (T-box brain transcription factor 1; plus strand). Cytogenetic location: 2q24.2.
Variant type: single nucleotide variant.
Coding change: c.1812C>G on transcript NM_006593.4 (MANE Select); coding-DNA position 1812, C replaced by G.
Protein change: p.Ala604=; no amino-acid change (alanine 604 retained).
Molecular consequence: synonymous variant.
Genome position (GRCh38, 1-based): chr2:161,423,990, C>G. VCF-style: chr2-161423990-C-G. GRCh37 (hg19) VCF-style: chr2-162280501-C-G.
Identifiers: ClinVar variation 3050705 (VCV003050705.3), dbSNP rs751239156, ClinGen allele CA1931013.

ClinVar aggregate classification (germline): Likely benign. Review status: criteria provided, single submitter (1 of 4 stars). 2 submissions from 2 submitters: Likely benign (1). 1 of the submissions does not count toward it. Last evaluated 2024-08-23.

Conditions:
TBR1-related disorder. Also called: TBR1-related condition.

Allele frequency attached by ClinVar (database versions not stated): gnomAD exomes 0.00001; ExAC 0.00006.
gnomAD v4.1: 20 of 1,560,574 alleles (0.0013%); highest among the groups gnomAD compares: Non-Finnish European, 0.0016%; no homozygotes.

Submissions (2):

Blueprint Genetics
Classification: Likely benign. Last evaluated: 2024-08-23. Review status: criteria provided, single submitter. Criteria: ACMG Guidelines, 2015. Collection method: clinical testing. Allele origin: germline.

PreventionGenetics, part of Exact Sciences
Classification: Likely benign for TBR1-related condition. Last evaluated: 2019-07-16. Review status: no assertion criteria provided. Collection method: clinical testing. Allele origin: germline. Not counted in ClinVar's aggregate classification.
Comment: This variant is classified as likely benign based on ACMG/AMP sequence variant interpretation guidelines (Richards et al. 2015 PMID: 25741868, with internal and published modifications).